The following is an entry in ClinVar:

ClinVar aggregate classification (germline): Uncertain significance (1 of 4 stars; one submission).

Conditions:
Primary immunodeficiency with post-measles-mumps-rubella vaccine viral infection. Also called: Immunodeficiency 44. Identifiers: Orphanet 431166, MedGen C4225260, MONDO:0014715, OMIM 616636.

Allele frequency attached by ClinVar (database versions not stated): gnomAD exomes below 0.00001.
gnomAD v4.1: 1 of 1,614,180 alleles (0.000062%); highest among the groups gnomAD compares: Admixed American, 0.0017%; no homozygotes.

Submission:

Labcorp Genetics (formerly Invitae), Labcorp
Classification: Uncertain significance for Primary immunodeficiency with post-measles-mumps-rubella vaccine viral infection. Last evaluated: 2024-10-15. Review status: criteria provided, single submitter. Criteria: Invitae Variant Classification Sherloc (09022015). Collection method: clinical testing. Allele origin: germline.
Comment: This sequence change replaces serine, which is neutral and polar, with glycine, which is neutral and non-polar, at codon 417 of the STAT2 protein (p.Ser417Gly). This variant is not present in population databases (gnomAD no frequency). This variant has not been reported in the literature in individuals affected with STAT2-related conditions. ClinVar contains an entry for this variant (Variation ID: 2174825). Invitae Evidence Modeling of protein sequence and biophysical properties (such as structural, functional, and spatial information, amino acid conservation, physicochemical variation, residue mobility, and thermodynamic stability) indicates that this missense variant is not expected to disrupt STAT2 protein function with a negative predictive value of 80%. In summary, the available evidence is currently insufficient to determine the role of this variant in disease. Therefore, it has been classified as a Variant of Uncertain Significance.

NM_005419.4(STAT2):c.1249A>G (p.Ser417Gly)

Gene: STAT2 (signal transducer and activator of transcription 2; minus strand). Cytogenetic location: 12q13.3.
Variant type: single nucleotide variant.
Coding change: c.1249A>G on transcript NM_005419.4 (MANE Select); coding-DNA position 1249, A replaced by G.
Protein change: p.Ser417Gly; replaces serine 417 with glycine.
Molecular consequence: missense variant.
Genome position (GRCh38, 1-based): chr12:56,349,597, T>C on the plus strand (A>G on the coding strand, the complement: STAT2 is on the minus strand). VCF-style: chr12-56349597-T-C. GRCh37 (hg19) VCF-style: chr12-56743381-T-C.
Other names: c.1216A>G, p.Ser406Gly (NM_001385110.1); c.1249A>G, p.Ser417Gly (NM_001385111.1, NM_001385113.1); c.1228A>G, p.Ser410Gly (NM_001385114.1); c.1237A>G, p.Ser413Gly (NM_001385115.1, NM_198332.2); short protein forms S410G, S413G, S406G, S417G.
Identifiers: ClinVar variation 2174825 (VCV002174825.4), dbSNP rs1031140287, ClinGen allele CA237651258.